The following is an entry in ClinVar:

ClinVar aggregate classification (germline): Uncertain significance. Review status: criteria provided, multiple submitters, no conflicts (2 of 4 stars). 2 submissions from 2 submitters: Uncertain significance (2). Last evaluated 2025-10-19.

Conditions:
Generalized epilepsy with febrile seizures plus, type 7 (GEFSP7). Also called: GEFS+, TYPE 7. Identifiers: Orphanet 36387, MedGen C2751778, MONDO:0013470, OMIM 613863.
Neuropathy, hereditary sensory and autonomic, type 2A (HSAN2A). Also called: HSAN IIA; MORVAN DISEASE; NEUROPATHY, CONGENITAL SENSORY; NEUROPATHY, HEREDITARY SENSORY RADICULAR, AUTOSOMAL RECESSIVE; NEUROPATHY, HEREDITARY SENSORY, TYPE IIA; NEUROPATHY, PROGRESSIVE SENSORY, OF CHILDREN. Identifiers: Orphanet 970, MedGen C2752089, MONDO:0024309, OMIM 201300.

Allele frequency attached by ClinVar (database versions not stated): gnomAD 0.00001; gnomAD exomes 0.00001; TOPMed 0.00001.
gnomAD v4.1: 14 of 1,613,898 alleles (0.00087%); highest among the groups gnomAD compares: South Asian, 0.0022%; no homozygotes.

Submissions (2):

Labcorp Genetics (formerly Invitae), Labcorp
Classification: Uncertain significance for Neuropathy, hereditary sensory and autonomic, type 2A; Generalized epilepsy with febrile seizures plus, type 7. Last evaluated: 2025-10-19. Review status: criteria provided, single submitter. Criteria: Invitae Variant Classification Sherloc (09022015). Collection method: clinical testing. Allele origin: germline.
Comment: This sequence change replaces alanine, which is neutral and non-polar, with threonine, which is neutral and polar, at codon 928 of the SCN9A protein (p.Ala928Thr). This variant is present in population databases (no rsID available, gnomAD 0.003%). This variant has not been reported in the literature in individuals affected with SCN9A-related conditions. ClinVar contains an entry for this variant (Variation ID: 418483). Invitae Evidence Modeling of protein sequence and biophysical properties (such as structural, functional, and spatial information, amino acid conservation, physicochemical variation, residue mobility, and thermodynamic stability) indicates that this missense variant is not expected to disrupt SCN9A protein function with a negative predictive value of 95%. In summary, the available evidence is currently insufficient to determine the role of this variant in disease. Therefore, it has been classified as a Variant of Uncertain Significance.

GeneDx
Classification: Uncertain significance. Last evaluated: 2016-06-20. Review status: criteria provided, single submitter. Criteria: GeneDx Variant Classification (06012015). Collection method: clinical testing. Allele origin: germline. Affected: yes.
Comment: The A928T variant in the SCN9A gene has not been reported previously as a pathogenic variant, nor as a benign variant, to our knowledge. The A928T variant was not observed in approximately 6500 individuals of European and African American ancestry in the NHLBI Exome Sequencing Project, indicating it is not a common benign variant in these populations. The A928T variant is a non-conservative amino acid substitution, which is likely to impact secondary protein structure as these residues differ in polarity, charge, size and/or other properties. This substitution occurs at a position that is conserved across species. In silico analysis predicts this variant is probably damaging to the protein structure/function. We interpret A928T as a variant of uncertain significance.

NM_001365536.1(SCN9A):c.2815G>A (p.Ala939Thr)

Genes: SCN9A (sodium voltage-gated channel alpha subunit 9; minus strand), SCN1A-AS1 (SCN1A and SCN9A antisense RNA 1; plus strand). Cytogenetic location: 2q24.3.
Variant type: single nucleotide variant.
Coding change: c.2815G>A on transcript NM_001365536.1 (MANE Select); coding-DNA position 2815, G replaced by A.
Protein change: p.Ala939Thr; replaces alanine 939 with threonine.
Molecular consequence: missense variant.
Genome position (GRCh38, 1-based): chr2:166,277,042, C>T on the plus strand (G>A on the coding strand, the complement: SCN9A is on the minus strand). VCF-style: chr2-166277042-C-T. GRCh37 (hg19) VCF-style: chr2-167133552-C-T.
Other names: c.2782G>A, p.Ala928Thr (NM_002977.4); short protein forms A928T, A939T.
Identifiers: ClinVar variation 418483 (VCV000418483.10), dbSNP rs1064793264, ClinGen allele CA16617322.